The following is an entry in ClinVar:

NM_000059.4(BRCA2):c.7423G>T (p.Glu2475Ter)

Gene: BRCA2 (BRCA2 DNA repair associated; plus strand). Cytogenetic location: 13q13.1.
Variant type: single nucleotide variant.
Coding change: c.7423G>T on transcript NM_000059.4 (MANE Select); coding-DNA position 7423, G replaced by T.
Protein change: p.Glu2475Ter; replaces glutamic acid 2475 with a stop codon.
Molecular consequence: nonsense.
Genome position (GRCh38, 1-based): chr13:32,355,276, G>T. VCF-style: chr13-32355276-G-T. GRCh37 (hg19) VCF-style: chr13-32929413-G-T.
Other names: short protein forms E2475*.
Identifiers: ClinVar variation 633118 (VCV000633118.3), dbSNP rs1566241336, ClinGen allele CA387742006.

ClinVar aggregate classification (germline): Pathogenic/Likely pathogenic. Review status: criteria provided, multiple submitters, no conflicts (2 of 4 stars). 2 submissions from 2 submitters: Pathogenic (1); Likely pathogenic (1). Last evaluated 2018-01-19.

Conditions:
Hereditary cancer-predisposing syndrome. Also called: Tumor predisposition; Neoplastic Syndromes, Hereditary; Hereditary neoplastic syndrome; Hereditary Cancer Syndrome. Identifiers: Orphanet 140162, MedGen C0027672, MeSH D009386, MONDO:0015356.
Hereditary breast ovarian cancer syndrome. Also called: Hereditary breast and ovarian cancer; Hereditary breast and ovarian cancer syndrome (HBOC); Breast and ovarian cancer; Hereditary breast and ovarian cancer syndrome; BRCA1- and BRCA2-Associated Hereditary Breast and Ovarian Cancer; Hereditary breast and/or ovarian cancer syndrome. Identifiers: Orphanet 145, MedGen C0677776, MeSH D061325, MONDO:0003582. Disease mechanism: loss of function.

Submissions (2):

Women's Health and Genetics/Laboratory Corporation of America, LabCorp
Classification: Likely pathogenic for Hereditary breast and ovarian cancer syndrome. Last evaluated: 2018-01-19. Review status: criteria provided, single submitter. Criteria: LabCorp Variant Classification Summary - May 2015. Collection method: clinical testing. Allele origin: germline.
Comment: Variant summary: The BRCA2 c.7423G>T (p.Glu2475X) variant results in a premature termination codon, predicted to cause a truncated or absent BRCA2 protein due to nonsense mediated decay, which are commonly known mechanisms for disease. Truncations downstream of this position have been classified as pathogenic by our laboratory (e.g. c.7480C>T, p.Arg2494X; c.7543dupA, p.Thr2515fsX24; c.7556dupC, p.Arg2520fsX19). One in silico tool predicts a damaging outcome for this variant. This variant is absent in 245726 control chromosomes. The variant of interest has not, to our knowledge, been reported in affected individuals via publications and/or reputable databases/clinical diagnostic laboratories; nor evaluated for functional impact by in vivo/vitro studies. Taken together, this variant is classified as likely pathogenic.

Ambry Genetics
Classification: Pathogenic for Hereditary cancer-predisposing syndrome. Last evaluated: 2017-08-02. Review status: criteria provided, single submitter. Criteria: Ambry Variant Classification Scheme 2023. Collection method: clinical testing. Allele origin: germline.
Comment: The p.E2475* pathogenic mutation (also known as c.7423G>T), located in coding exon 13 of the BRCA2 gene, results from a G to T substitution at nucleotide position 7423. This changes the amino acid from a glutamic acid to a stop codon within coding exon 13. This alteration is expected to result in loss of function by premature protein truncation or nonsense-mediated mRNA decay. As such, this alteration is interpreted as a disease-causing mutation.